The following is an entry in ClinVar:

ClinVar aggregate classification (germline): Likely benign (0 of 4 stars; one submission).

Conditions:
DMBT1-related disorder. Also called: DMBT1-related condition.

Allele frequency attached by ClinVar (database versions not stated): ExAC 0.00005; gnomAD exomes 0.00009; gnomAD 0.00013; ESP Exome Variant Server 0.00025.

Submission:

PreventionGenetics, part of Exact Sciences
Classification: Likely benign for DMBT1-related condition. Last evaluated: 2019-10-30. Review status: no assertion criteria provided. Collection method: clinical testing. Allele origin: germline.
Comment: This variant is classified as likely benign based on ACMG/AMP sequence variant interpretation guidelines (Richards et al. 2015 PMID: 25741868, with internal and published modifications).

NM_001377530.1(DMBT1):c.5160T>C (p.Asn1720=)

Gene: DMBT1 (deleted in malignant brain tumors 1; plus strand). Cytogenetic location: 10q26.13.
Variant type: single nucleotide variant.
Coding change: c.5160T>C on transcript NM_001377530.1 (MANE Select); coding-DNA position 5160, T replaced by C.
Protein change: p.Asn1720=; no amino-acid change (asparagine 1720 retained).
Molecular consequence: synonymous variant.
Genome position (GRCh38, 1-based): chr10:122,618,285, T>C. VCF-style: chr10-122618285-T-C. GRCh37 (hg19) VCF-style: chr10-124377801-T-C.
Other names: c.4773T>C, p.Asn1591= (NM_001320644.2, NM_007329.3); c.2889T>C, p.Asn963= (NM_004406.3); c.4743T>C, p.Asn1581= (NM_017579.3).
Identifiers: ClinVar variation 3045441 (VCV003045441.2), dbSNP rs368566929, ClinGen allele CA5727752.